The following is an entry in ClinVar:

NM_000214.3(JAG1):c.3353_3354delinsCC (p.Gln1118Pro)

Gene: JAG1 (jagged canonical Notch ligand 1; minus strand). Cytogenetic location: 20p12.2.
Variant type: Indel.
Coding change: c.3353_3354delinsCC on transcript NM_000214.3 (MANE Select); coding-DNA positions 3353 to 3354, AG replaced by CC.
Protein change: p.Gln1118Pro; replaces glutamine 1118 with proline.
Molecular consequence: missense variant.
Genome position (GRCh38, 1-based): chr20:10,639,801-10,639,802, CT replaced by GG on the plus strand (AG replaced by CC on the coding strand, the reverse complement: JAG1 is on the minus strand). VCF-style: chr20-10639801-CT-GG. GRCh37 (hg19) VCF-style: chr20-10620449-CT-GG.
Other names: short protein forms Q1118P.
Identifiers: ClinVar variation 1396793 (VCV001396793.6), dbSNP rs2122593353, ClinGen allele CA2573156841.

ClinVar aggregate classification (germline): Uncertain significance (1 of 4 stars; one submission).

Conditions:
Alagille syndrome due to a JAG1 point mutation. Also called: JAG1-Related Alagille Syndrome; Alagille Syndrome 1; HEPATIC DUCTULAR HYPOPLASIA, SYNDROMATIC. Identifiers: Orphanet 261619, Orphanet 52, MedGen C1956125, MONDO:0016862, OMIM 118450.

Submission:

Labcorp Genetics (formerly Invitae), Labcorp
Classification: Uncertain significance for Alagille syndrome due to a JAG1 point mutation. Last evaluated: 2021-03-26. Review status: criteria provided, single submitter. Criteria: Invitae Variant Classification Sherloc (09022015). Collection method: clinical testing. Allele origin: germline.
Comment: In summary, the available evidence is currently insufficient to determine the role of this variant in disease. Therefore, it has been classified as a Variant of Uncertain Significance. Algorithms developed to predict the effect of missense changes on protein structure and function are either unavailable or do not agree on the potential impact of this missense change (SIFT: "Not Available"; PolyPhen-2: "Possibly Damaging"; Align-GVGD: "Not Available"). This variant has not been reported in the literature in individuals with JAG1-related conditions. The frequency data for this variant in the population databases is not available, as this variant may be reported as separate entries in the ExAC database. This sequence change replaces glutamine with proline at codon 1118 of the JAG1 protein (p.Gln1118Pro). The glutamine residue is highly conserved and there is a moderate physicochemical difference between glutamine and proline.